The following is an entry in ClinVar:

ClinVar aggregate classification (germline): Uncertain significance (1 of 4 stars; one submission).

Submission:

Labcorp Genetics (formerly Invitae), Labcorp
Classification: Uncertain significance. Last evaluated: 2025-05-26. Review status: criteria provided, single submitter. Criteria: Invitae Variant Classification Sherloc (09022015). Collection method: clinical testing. Allele origin: germline.
Comment: This sequence change replaces isoleucine, which is neutral and non-polar, with valine, which is neutral and non-polar, at codon 391 of the EMC1 protein (p.Ile391Val). This variant is not present in population databases (gnomAD no frequency). This variant has not been reported in the literature in individuals affected with EMC1-related conditions. ClinVar contains an entry for this variant (Variation ID: 1494656). Invitae Evidence Modeling of protein sequence and biophysical properties (such as structural, functional, and spatial information, amino acid conservation, physicochemical variation, residue mobility, and thermodynamic stability) indicates that this missense variant is not expected to disrupt EMC1 protein function with a negative predictive value of 80%. In summary, the available evidence is currently insufficient to determine the role of this variant in disease. Therefore, it has been classified as a Variant of Uncertain Significance.

NM_015047.3(EMC1):c.1171A>G (p.Ile391Val)

Genes: EMC1 (ER membrane protein complex subunit 1; minus strand), EMC1-AS1 (EMC1 antisense RNA 1; plus strand). Cytogenetic location: 1p36.13.
Variant type: single nucleotide variant.
Coding change: c.1171A>G on transcript NM_015047.3 (MANE Select); coding-DNA position 1171, A replaced by G.
Protein change: p.Ile391Val; replaces isoleucine 391 with valine.
Molecular consequence: missense variant.
Genome position (GRCh38, 1-based): chr1:19,238,058, T>C on the plus strand (A>G on the coding strand, the complement: EMC1 is on the minus strand). VCF-style: chr1-19238058-T-C. GRCh37 (hg19) VCF-style: chr1-19564552-T-C.
Other names: c.1168A>G, p.Ile390Val (NM_001271427.2, NM_001375821.1); c.1171A>G, p.Ile391Val (NM_001271428.2, NM_001375820.1); c.1105A>G, p.Ile369Val (NM_001271429.2); short protein forms I391V, I390V, I369V.
Identifiers: ClinVar variation 1494656 (VCV001494656.8), dbSNP rs2151955856, ClinGen allele CA338766355.